The following is an entry in ClinVar:

NM_001122630.2(CDKN1C):c.470C>T (p.Pro157Leu)

Gene: CDKN1C (cyclin dependent kinase inhibitor 1C; minus strand). Cytogenetic location: 11p15.4.
Variant type: single nucleotide variant.
Coding change: c.470C>T on transcript NM_001122630.2 (MANE Select); coding-DNA position 470, C replaced by T.
Protein change: p.Pro157Leu; replaces proline 157 with leucine.
Molecular consequence: missense variant. On other transcripts: intron variant (1).
Genome position (GRCh38, 1-based): chr11:2,884,987, G>A on the plus strand (C>T on the coding strand, the complement: CDKN1C is on the minus strand). VCF-style: chr11-2884987-G-A. GRCh37 (hg19) VCF-style: chr11-2906217-G-A.
Other names: c.503C>T, p.Pro168Leu (NM_000076.2, NM_001362474.2); c.470C>T, p.Pro157Leu (NM_001122631.2); c.255+215C>T (NM_001362475.2); short protein forms P157L, P168L.
Identifiers: ClinVar variation 1448339 (VCV001448339.6), dbSNP rs2133784340, ClinGen allele CA379146572.
Genomic context (GRCh38, chr11:2,884,987, plus strand): 5'-GGAGCCGGAGCCGGGGCCGGGGCCGGGGCCAGGACCGCGACCGCGACCGGAGCCGCGACC[G>A]GAGCCGCGACCGGAGCCGGAGCCGGGGCCGGGGCTGGAGCCAGGACCGGGACTGGGGGCG-3'
Protein context (NP_001116102.1, residues 147-167): PAPAPAPVAA[Pro157Leu]VAAPVAVAVL

ClinVar aggregate classification (germline): Uncertain significance (1 of 4 stars; one submission).

Conditions:
Beckwith-Wiedemann syndrome (BWS). Also called: EMG SYNDROME; Exomphalos macroglossia gigantism syndrome. Identifiers: Orphanet 116, MedGen C0004903, MONDO:0007534, OMIM 130650.

Submission:

Labcorp Genetics (formerly Invitae), Labcorp
Classification: Uncertain significance for Beckwith-Wiedemann syndrome. Last evaluated: 2021-12-06. Review status: criteria provided, single submitter. Criteria: Invitae Variant Classification Sherloc (09022015). Collection method: clinical testing. Allele origin: germline.
Comment: This sequence change replaces proline, which is neutral and non-polar, with leucine, which is neutral and non-polar, at codon 168 of the CDKN1C protein (p.Pro168Leu). The frequency data for this variant in the population databases is considered unreliable, as metrics indicate insufficient coverage at this position in the gnomAD database. This variant has not been reported in the literature in individuals affected with CDKN1C-related conditions. Algorithms developed to predict the effect of missense changes on protein structure and function output the following: SIFT: "Deleterious"; PolyPhen-2: "Not Available"; Align-GVGD: "Class C0". The leucine amino acid residue is found in multiple mammalian species, which suggests that this missense change does not adversely affect protein function. In summary, the available evidence is currently insufficient to determine the role of this variant in disease. Therefore, it has been classified as a Variant of Uncertain Significance.